The following is an entry in ClinVar:

NM_053025.4(MYLK):c.4842T>C (p.Asn1614=)

Gene: MYLK (myosin light chain kinase; minus strand). Cytogenetic location: 3q21.1.
Variant type: single nucleotide variant.
Coding change: c.4842T>C on transcript NM_053025.4 (MANE Select); coding-DNA position 4842, T replaced by C.
Protein change: p.Asn1614=; no amino-acid change (asparagine 1614 retained).
Molecular consequence: synonymous variant.
Genome position (GRCh38, 1-based): chr3:123,638,190, A>G on the plus strand (T>C on the coding strand, the complement: MYLK is on the minus strand). VCF-style: chr3-123638190-A-G. GRCh37 (hg19) VCF-style: chr3-123357037-A-G.
Other names: p.Asn1614=; c.4314T>C, p.Asn1438= (NM_001321309.2); c.4635T>C, p.Asn1545= (NM_053026.4, NM_053028.4); c.4842T>C, p.Asn1614= (NM_053027.4).
Identifiers: ClinVar variation 226771 (VCV000226771.31), dbSNP rs820463, ClinGen allele CA072165.
Genomic context (GRCh38, chr3:123,638,190, plus strand): 5'-GTTGATCACTTCAGGAGCCACAAATTCTGGGGTGCCAAAGAGGACCTTCAGAGACCCCGC[A>G]TTCTCTGAAACCAGGATGGAGAGGGATAAATTGCCAGCACATCACGGAGCCAGCTTGAGA-3'
Protein context (NP_444253.3, residues 1604-1624): IDFGLARRLE[Asn1614=]AGSLKVLFGT

ClinVar aggregate classification (germline): Benign. Review status: criteria provided, multiple submitters, no conflicts (2 of 4 stars). 14 submissions from 14 submitters: Benign (11). 3 of the submissions do not count toward it. Last evaluated 2026-02-04.

Conditions:
Familial thoracic aortic aneurysm and aortic dissection (TAAD). Also called: Thoracic aortic aneurysms and dissections. Identifiers: Orphanet 91387, MedGen C4707243, MONDO:0019625.
Aortic aneurysm, familial thoracic 7 (AAT7). Also called: AORTIC DISSECTION, FAMILIAL, WITH OR WITHOUT AORTIC ANEURYSM. Identifiers: MedGen C3151077, MONDO:0013418, OMIM 613780.

Allele frequency attached by ClinVar (database versions not stated): ESP Exome Variant Server 0.19791; gnomAD 0.21770 and 0.22595; ExAC 0.21824; TOPMed 0.25211; 1000 Genomes Project 0.37440; 1000 Genomes Project 30x 0.37523.
gnomAD v4.1: 223,644 of 1,612,880 alleles (14%); highest among the groups gnomAD compares: East Asian, 64%; 30,210 homozygotes.

Submissions (14):

Labcorp Genetics (formerly Invitae), Labcorp
Classification: Benign for Aortic aneurysm, familial thoracic 7. Last evaluated: 2026-02-04. Review status: criteria provided, single submitter. Criteria: Invitae Variant Classification Sherloc (09022015). Collection method: clinical testing. Allele origin: germline.

Molecular Diagnostic Laboratory for Inherited Cardiovascular Disease, Montreal Heart Institute
Classification: Benign. Last evaluated: 2025-04-09. Review status: criteria provided, single submitter. Criteria: ACMG Guidelines, 2015. Collection method: clinical testing. Allele origin: germline. Affected: no.

Blueprint Genetics
Classification: Benign. Last evaluated: 2024-11-26. Review status: criteria provided, single submitter. Criteria: ACMG Guidelines, 2015. Collection method: clinical testing. Allele origin: germline.

Women's Health and Genetics/Laboratory Corporation of America, LabCorp
Classification: Benign. Last evaluated: 2019-08-09. Review status: criteria provided, single submitter. Criteria: LabCorp Variant Classification Summary - May 2015. Collection method: clinical testing. Allele origin: germline.

Illumina Laboratory Services, Illumina
Classification: Benign for Aortic aneurysm, familial thoracic 7. Last evaluated: 2018-01-13. Review status: criteria provided, single submitter. Criteria: ICSL Variant Classification Criteria 13 December 2019. Collection method: clinical testing. Allele origin: germline.
Comment: This variant was observed in the ICSL laboratory as part of a predisposition screen in an ostensibly healthy population. It had not been previously curated by ICSL or reported in the Human Gene Mutation Database (HGMD: prior to June 1st, 2018), and was therefore a candidate for classification through an automated scoring system. Utilizing variant allele frequency, disease prevalence and penetrance estimates, and inheritance mode, an automated score was calculated to assess if this variant is too frequent to cause the disease. Based on the score and internal cut-off values, a variant classified as benign is not then subjected to further curation. The score for this variant resulted in a classification of benign for this disease.

GeneDx
Classification: Benign. Last evaluated: 2016-09-23. Review status: criteria provided, single submitter. Criteria: GeneDx Variant Classification (06012015). Collection method: clinical testing. Allele origin: germline. Affected: yes.
Comment: This variant is considered likely benign or benign based on one or more of the following criteria: it is a conservative change, it occurs at a poorly conserved position in the protein, it is predicted to be benign by multiple in silico algorithms, and/or has population frequency not consistent with disease.

Ambry Genetics
Classification: Benign for Familial thoracic aortic aneurysm and aortic dissection. Last evaluated: 2015-01-23. Review status: criteria provided, single submitter. Criteria: Ambry Variant Classification Scheme 2023. Collection method: clinical testing. Allele origin: germline.

Mayo Clinic Laboratories, Mayo Clinic
Classification: Benign. Last evaluated: 2014-04-03. Review status: criteria provided, single submitter. Criteria: ACMG Guidelines, 2015. Collection method: clinical testing. Allele origin: germline. Observed: 362 variant alleles.

Laboratory for Molecular Medicine, Mass General Brigham Personalized Medicine
Classification: Benign. Last evaluated: 2013-04-04. Review status: criteria provided, single submitter. Criteria: LMM Criteria. Collection method: clinical testing. Allele origin: germline. Observed: 15 variant alleles.
Comment: Asn1614Asn in exon 29 of MYLK: This variant is not expected to have clinical sig nificance because it does not alter an amino acid residue and is not located wit hin the splice consensus sequence. It has been identified in 40.8% (1798/4406) o f African American chromosomes from a broad population by the NHLBI Exome Sequen cing Project (dbSNP rs820463).

Breakthrough Genomics
Classification: Benign. Review status: criteria provided, single submitter. Criteria: ACMG Guidelines, 2015. Collection method: not provided. Allele origin: germline. Inheritance: Autosomal recessive inheritance. Affected: yes.

PreventionGenetics, part of Exact Sciences
Classification: Benign. Review status: criteria provided, single submitter. Criteria: ACMG Guidelines, 2015. Collection method: clinical testing. Allele origin: germline.

Clinical Genetics DNA and cytogenetics Diagnostics Lab, Erasmus MC, Erasmus Medical Center
Classification: Benign. Review status: no assertion criteria provided. Collection method: clinical testing. Allele origin: germline. Affected: yes. Study: VKGL Data-share Consensus. Not counted in ClinVar's aggregate classification.

Genome Diagnostics Laboratory, Amsterdam University Medical Center
Classification: Benign. Review status: no assertion criteria provided. Collection method: clinical testing. Allele origin: germline. Affected: yes. Study: VKGL Data-share Consensus. Not counted in ClinVar's aggregate classification.

Joint Genome Diagnostic Labs from Nijmegen and Maastricht, Radboudumc and MUMC+
Classification: Benign. Review status: no assertion criteria provided. Collection method: clinical testing. Allele origin: germline. Affected: yes. Study: VKGL Data-share Consensus. Not counted in ClinVar's aggregate classification.